The following is an entry in ClinVar:

ClinVar aggregate classification (germline): Likely benign (1 of 4 stars; one submission).

Allele frequency attached by ClinVar (database versions not stated): TOPMed 0.00002; gnomAD 0.00004 and 0.00003.

Submission:

GeneDx
Classification: Likely benign. Last evaluated: 2016-10-10. Review status: criteria provided, single submitter. Criteria: GeneDx Variant Classification (06012015). Collection method: clinical testing. Allele origin: germline. Affected: yes.
Comment: This variant is considered likely benign or benign based on one or more of the following criteria: it is a conservative change, it occurs at a poorly conserved position in the protein, it is predicted to be benign by multiple in silico algorithms, and/or has population frequency not consistent with disease.

NM_003476.3(CSRP3):c.-226G>A

Genes: CSRP3 (cysteine and glycine rich protein 3; minus strand), CSRP3-AS1 (CSRP3 and E2F8 antisense RNA 1; plus strand). Cytogenetic location: 11p15.1.
Variant type: single nucleotide variant.
Coding change: c.-226G>A on transcript NM_003476.3; 226 bases upstream of the start codon, G replaced by A.
Genome position (GRCh38, 1-based): chr11:19,202,151, C>T on the plus strand (G>A on the coding strand, the complement: CSRP3 is on the minus strand). VCF-style: chr11-19202151-C-T. GRCh37 (hg19) VCF-style: chr11-19223698-C-T.
Identifiers: ClinVar variation 389817 (VCV000389817.3), dbSNP rs1057523542, ClinGen allele CA16606910.